The following is an entry in ClinVar:

NM_004174.4(SLC9A3):c.1143C>T (p.Tyr381=)

Gene: SLC9A3 (solute carrier family 9 member A3). Cytogenetic location: 5p15.33.
Variant type: single nucleotide variant.
Coding change: c.1143C>T on transcript NM_004174.4 (MANE Select); coding-DNA position 1143, C replaced by T.
Protein change: p.Tyr381=; no amino-acid change (tyrosine 381 retained).
Molecular consequence: synonymous variant.
Genome position (GRCh38, 1-based): chr5:483,272, G>A on the plus strand (C>T on the coding strand, the complement: SLC9A3 is on the minus strand). VCF-style: chr5-483272-G-A. GRCh37 (hg19) VCF-style: chr5-483387-G-A.
Other names: c.1143C>T, p.Tyr381= (NM_001284351.3).
Identifiers: ClinVar variation 1664866 (VCV001664866.32), dbSNP rs375272660, ClinGen allele CA3176084.

ClinVar aggregate classification (germline): Likely benign. Review status: criteria provided, multiple submitters, no conflicts (2 of 4 stars). 2 submissions from 2 submitters: Likely benign (2). Last evaluated 2026-01-18.

Allele frequency attached by ClinVar (database versions not stated): ExAC 0.00011; gnomAD exomes 0.00014 and 0.00027; TOPMed 0.00014; gnomAD 0.00016 and 0.00017; ESP Exome Variant Server 0.00024.
gnomAD v4.1: 394 of 1,547,122 alleles (0.025%); highest among the groups gnomAD compares: Non-Finnish European, 0.033%; no homozygotes.

Submissions (2):

Labcorp Genetics (formerly Invitae), Labcorp
Classification: Likely benign. Last evaluated: 2026-01-18. Review status: criteria provided, single submitter. Criteria: Invitae Variant Classification Sherloc (09022015). Collection method: clinical testing. Allele origin: germline.

CeGaT Center for Human Genetics Tuebingen
Classification: Likely benign. Last evaluated: 2022-11-01. Review status: criteria provided, single submitter. Criteria: CeGaT Center For Human Genetics Tuebingen Variant Classification Criteria Version 2. Collection method: clinical testing. Allele origin: germline. Affected: yes. Observed: 1 variant allele.
Comment: SLC9A3: BP4, BP7